The following is an entry in ClinVar:

ClinVar aggregate classification (germline): Benign/Likely benign. Review status: criteria provided, multiple submitters, no conflicts (2 of 4 stars). 4 submissions from 4 submitters: Benign (1); Likely benign (3). Last evaluated 2025-10-02.

Conditions:
Autosomal recessive juvenile Parkinson disease 2. Also called: Parkinson disease autosomal recessive, early onset; Juvenile parkinsonism; Parkinsonism, early onset, with diurnal fluctuation; PARKINSON DISEASE, JUVENILE, AUTOSOMAL RECESSIVE; Parkinson disease, juvenile, type 2; PRKN-Related Early-Onset Parkinson Disease. Identifiers: Orphanet 2828, MedGen C1868675, MONDO:0010820, OMIM 600116.

Allele frequency attached by ClinVar (database versions not stated): TOPMed 0.02416; gnomAD 0.02462 and 0.02475; 1000 Genomes Project 0.03135.
gnomAD v4.1: 17,869 of 684,804 alleles (2.6%); highest among the groups gnomAD compares: South Asian, 4.2%; 228 homozygotes.

Submissions (4):

Labcorp Genetics (formerly Invitae), Labcorp
Classification: Benign. Last evaluated: 2025-10-02. Review status: criteria provided, single submitter. Criteria: Invitae Variant Classification Sherloc (09022015). Collection method: clinical testing. Allele origin: germline.

GeneDx
Classification: Likely benign. Last evaluated: 2019-09-20. Review status: criteria provided, single submitter. Criteria: GeneDx Variant Classification Process June 2021. Collection method: clinical testing. Allele origin: germline. Affected: yes.
Comment: This variant is associated with the following publications: (PMID: 23275044)

Illumina Laboratory Services, Illumina
Classification: Likely benign for Autosomal recessive juvenile Parkinson disease 2. Last evaluated: 2018-01-13. Review status: criteria provided, single submitter. Criteria: ICSL Variant Classification Criteria 13 December 2019. Collection method: clinical testing. Allele origin: germline.
Comment: This variant was observed in the ICSL laboratory as part of a predisposition screen in an ostensibly healthy population. It had not been previously curated by ICSL or reported in the Human Gene Mutation Database (HGMD: prior to June 1st, 2018), and was therefore a candidate for classification through an automated scoring system. Utilizing variant allele frequency, disease prevalence and penetrance estimates, and inheritance mode, an automated score was calculated to assess if this variant is too frequent to cause the disease. Based on the score and internal cut-off values, a variant classified as likely benign is not then subjected to further curation. The score for this variant resulted in a classification of likely benign for this disease.

Breakthrough Genomics
Classification: Likely benign. Review status: criteria provided, single submitter. Criteria: ACMG Guidelines, 2015. Collection method: not provided. Allele origin: germline. Inheritance: Autosomal recessive inheritance. Affected: yes.

NM_004562.3(PRKN):c.*94A>G

Gene: PRKN (parkin RBR E3 ubiquitin protein ligase; minus strand). Cytogenetic location: 6q26.
Variant type: single nucleotide variant.
Coding change: c.*94A>G on transcript NM_004562.3 (MANE Select); 94 bases downstream of the stop codon, A replaced by G.
Molecular consequence: 3 prime UTR variant.
Genome position (GRCh38, 1-based): chr6:161,350,005, T>C on the plus strand (A>G on the coding strand, the complement: PRKN is on the minus strand). VCF-style: chr6-161350005-T-C. GRCh37 (hg19) VCF-style: chr6-161771037-T-C.
Other names: c.*94A>G (NM_013987.3, NM_013988.3).
Identifiers: ClinVar variation 903814 (VCV000903814.15), dbSNP rs62637702, ClinGen allele CA151429463.
Genomic context (GRCh38, chr6:161,350,005, plus strand): 5'-CAATTTGGCTGTAGTTGGACTTTGAAAAAAACTTGAAGAGTGTGTGTGCGCGCGCGCGCG[T>C]GTGTGTGTGTGTTTGAAAAGAGAATTAGAAAATGAAGGTAGACACTGGGTATGCTCCCCC-3'